The following is an entry in ClinVar:

NM_001283009.2(RTEL1):c.3450G>T (p.Glu1150Asp)

Genes: RTEL1 (regulator of telomere elongation helicase 1; plus strand), RTEL1-TNFRSF6B (RTEL1-TNFRSF6B readthrough (NMD candidate); plus strand). Cytogenetic location: 20q13.33.
Variant type: single nucleotide variant.
Coding change: c.3450G>T on transcript NM_001283009.2 (MANE Select); coding-DNA position 3450, G replaced by T.
Protein change: p.Glu1150Asp; replaces glutamic acid 1150 with aspartic acid.
Molecular consequence: missense variant. On other transcripts: non-coding transcript variant (1).
Genome position (GRCh38, 1-based): chr20:63,695,172, G>T. VCF-style: chr20-63695172-G-T. GRCh37 (hg19) VCF-style: chr20-62326525-G-T.
Other names: c.2781G>T, p.Glu927Asp (NM_001283010.1); c.3450G>T, p.Glu1150Asp (NM_016434.4); c.3522G>T, p.Glu1174Asp (NM_032957.5); short protein forms E1150D, E1174D, E927D.
Identifiers: ClinVar variation 4844084 (VCV004844084.1).

ClinVar aggregate classification (germline): Uncertain significance (1 of 4 stars; one submission).

Conditions:
Inborn genetic diseases. Identifiers: MedGen C0950123, MeSH D030342.

Submission:

Ambry Genetics
Classification: Uncertain significance for Inborn genetic diseases. Last evaluated: 2026-01-04. Review status: criteria provided, single submitter. Criteria: Ambry Variant Classification Scheme 2023. Collection method: clinical testing. Allele origin: germline.
Comment: The p.E1150D variant (also known as c.3450G>T), located in coding exon 32 of the RTEL1 gene, results from a G to T substitution at nucleotide position 3450. The glutamic acid at codon 1150 is replaced by aspartic acid, an amino acid with highly similar properties. This amino acid position is conserved. In addition, this alteration is predicted to be tolerated by in silico analysis. Based on the available evidence, the clinical significance of this variant remains unclear.